The following is an entry in ClinVar:

NM_000540.3(RYR1):c.8497A>G (p.Lys2833Glu)

Genes: RYR1 (ryanodine receptor 1; plus strand), LOC126862902 (BRD4-independent group 4 enhancer GRCh37_chr19:38995830-38997029; plus strand). Cytogenetic location: 19q13.2.
Variant type: single nucleotide variant.
Coding change: c.8497A>G on transcript NM_000540.3 (MANE Select); coding-DNA position 8497, A replaced by G.
Protein change: p.Lys2833Glu; replaces lysine 2833 with glutamic acid.
Molecular consequence: missense variant.
Genome position (GRCh38, 1-based): chr19:38,505,902, A>G. VCF-style: chr19-38505902-A-G. GRCh37 (hg19) VCF-style: chr19-38996542-A-G.
Other names: p.Lys2833Glu; c.8497A>G, p.Lys2833Glu (NM_001042723.2); short protein forms K2833E.
Identifiers: ClinVar variation 577510 (VCV000577510.10), dbSNP rs777147998, ClinGen allele CA072094.
Genomic context (GRCh38, chr19:38,505,902, plus strand): 5'-CTGAAGGCCATGATTGCCTGGGAATGGACGATAGAGAAGGCCAGGGAGGGTGAGGAGGAG[A>G]AGACGGAAAAGAAAAAAACGCGGAAGATATCACAAAGTGCCCAGGTGAAGGCGGGGCCTG-3'
Protein context (NP_000531.2, residues 2823-2843): IEKAREGEEE[Lys2833Glu]TEKKKTRKIS

ClinVar aggregate classification (germline): Uncertain significance. Review status: criteria provided, multiple submitters, no conflicts (2 of 4 stars). 5 submissions from 5 submitters: Uncertain significance (5). Last evaluated 2025-11-05.

Conditions:
RYR1-related disorder. Also called: RYR1-related disorders; RYR1-related condition. Identifiers: MedGen CN239331.
Inborn genetic diseases. Identifiers: MedGen C0950123, MeSH D030342.
Malignant hyperthermia, susceptibility to, 1 (MHS1). Also called: Malignant hyperthermia suceptibility 1; RYR1-Related Malignant Hyperthermia Susceptibility; Anesthesia related hyperthermia; Malignant hyperpyrexia; Fulminating hyperpyrexia; Pharmacogenic myopathy. Identifiers: Orphanet 423, MedGen C2930980, MONDO:0007783, OMIM 145600.

Allele frequency attached by ClinVar (database versions not stated): gnomAD exomes 0.00006; gnomAD 0.00001; ExAC 0.00002; TOPMed 0.00003.
gnomAD v4.1: 87 of 1,613,680 alleles (0.0054%); highest among the groups gnomAD compares: Non-Finnish European, 0.0073%; no homozygotes.

Submissions (5):

Mayo Clinic Laboratories, Mayo Clinic
Classification: Uncertain significance. Last evaluated: 2025-11-05. Review status: criteria provided, single submitter. Criteria: ACMG Guidelines, 2015. Collection method: clinical testing. Allele origin: germline. Observed: 1 variant allele.

Labcorp Genetics (formerly Invitae), Labcorp
Classification: Uncertain significance for RYR1-related disorder. Last evaluated: 2024-09-30. Review status: criteria provided, single submitter. Criteria: Invitae Variant Classification Sherloc (09022015). Collection method: clinical testing. Allele origin: germline.
Comment: This sequence change replaces lysine, which is basic and polar, with glutamic acid, which is acidic and polar, at codon 2833 of the RYR1 protein (p.Lys2833Glu). This variant is present in population databases (rs777147998, gnomAD 0.004%). This variant has not been reported in the literature in individuals affected with RYR1-related conditions. ClinVar contains an entry for this variant (Variation ID: 577510). Invitae Evidence Modeling of protein sequence and biophysical properties (such as structural, functional, and spatial information, amino acid conservation, physicochemical variation, residue mobility, and thermodynamic stability) indicates that this missense variant is not expected to disrupt RYR1 protein function with a negative predictive value of 95%. In summary, the available evidence is currently insufficient to determine the role of this variant in disease. Therefore, it has been classified as a Variant of Uncertain Significance.

Women's Health and Genetics/Laboratory Corporation of America, LabCorp
Classification: Uncertain significance. Last evaluated: 2024-04-26. Review status: criteria provided, single submitter. Criteria: LabCorp Variant Classification Summary - May 2015. Collection method: clinical testing. Allele origin: germline.
Comment: Variant summary: RYR1 c.8497A>G (p.Lys2833Glu) results in a conservative amino acid change in the encoded protein sequence. Three of five in-silico tools predict a damaging effect of the variant on protein function. The variant allele was found at a frequency of 2e-05 in 250918 control chromosomes. The available data on variant occurrences in the general population are insufficient to allow any conclusion about variant significance. To our knowledge, no occurrence of c.8497A>G in individuals affected with Myopathy, RYR1-Associated and no experimental evidence demonstrating its impact on protein function have been reported. ClinVar contains an entry for this variant (Variation ID: 577510). Based on the evidence outlined above, the variant was classified as uncertain significance.

Color Diagnostics, LLC DBA Color Health
Classification: Uncertain significance for Malignant hyperthermia, susceptibility to, 1. Last evaluated: 2024-04-24. Review status: criteria provided, single submitter. Criteria: ACMG Guidelines, 2015. Collection method: clinical testing. Allele origin: germline.
Comment: This missense variant replaces lysine with glutamic acid at codon 2833 of the RYR1 protein. Computational prediction suggests that this variant may not impact protein structure and function. To our knowledge, functional studies have not been reported for this variant. This variant has not been reported in individuals affected with RYR1-related disorders in the literature. This variant has been identified in 5/250918 chromosomes in the general population by the Genome Aggregation Database (gnomAD). The available evidence is insufficient to determine the role of this variant in disease conclusively. Therefore, this variant is classified as a Variant of Uncertain Significance.

Ambry Genetics
Classification: Uncertain significance for Inborn genetic diseases. Last evaluated: 2023-05-22. Review status: criteria provided, single submitter. Criteria: Ambry Variant Classification Scheme 2023. Collection method: clinical testing. Allele origin: germline.